The following is an entry in ClinVar:

NM_138395.4(MARS2):c.1287C>T (p.Phe429=)

Gene: MARS2 (methionyl-tRNA synthetase 2, mitochondrial; plus strand). Cytogenetic location: 2q33.1.
Variant type: single nucleotide variant.
Coding change: c.1287C>T on transcript NM_138395.4 (MANE Select); coding-DNA position 1287, C replaced by T.
Protein change: p.Phe429=; no amino-acid change (phenylalanine 429 retained).
Molecular consequence: synonymous variant.
Genome position (GRCh38, 1-based): chr2:197,706,692, C>T. VCF-style: chr2-197706692-C-T. GRCh37 (hg19) VCF-style: chr2-198571416-C-T.
Identifiers: ClinVar variation 379648 (VCV000379648.13), dbSNP rs372016144, ClinGen allele CA2044727.

ClinVar aggregate classification (germline): Benign/Likely benign. Review status: criteria provided, multiple submitters, no conflicts (2 of 4 stars). 4 submissions from 4 submitters: Benign (1); Likely benign (3). Last evaluated 2026-01-01.

Allele frequency attached by ClinVar (database versions not stated): ESP Exome Variant Server 0.00015; gnomAD 0.00018; gnomAD exomes 0.00020 and 0.00042; TOPMed 0.00020; ExAC 0.00023.

Submissions (4):

CeGaT Center for Human Genetics Tuebingen
Classification: Likely benign. Last evaluated: 2026-01-01. Review status: criteria provided, single submitter. Criteria: CeGaT Center For Human Genetics Tuebingen Variant Classification Criteria Version 2. Collection method: clinical testing. Allele origin: germline. Affected: yes. Observed: 1 variant allele.
Comment: MARS2: BP4, BP7

Labcorp Genetics (formerly Invitae), Labcorp
Classification: Likely benign. Last evaluated: 2025-12-17. Review status: criteria provided, single submitter. Criteria: Invitae Variant Classification Sherloc (09022015). Collection method: clinical testing. Allele origin: germline.

Blueprint Genetics
Classification: Likely benign. Last evaluated: 2024-07-19. Review status: criteria provided, single submitter. Criteria: ACMG Guidelines, 2015. Collection method: clinical testing. Allele origin: germline.

GeneDx
Classification: Benign. Last evaluated: 2015-09-21. Review status: criteria provided, single submitter. Criteria: GeneDx Variant Classification (06012015). Collection method: clinical testing. Allele origin: germline. Affected: yes.
Comment: This variant is considered likely benign or benign based on one or more of the following criteria: it is a conservative change, it occurs at a poorly conserved position in the protein, it is predicted to be benign by multiple in silico algorithms, and/or has population frequency not consistent with disease.